The following is an entry in ClinVar:

ClinVar aggregate classification (germline): Uncertain significance (1 of 4 stars; one submission).

Conditions:
Early-infantile DEE. Also called: Early infantile epileptic encephalopathy with suppression bursts; Ohtahara syndrome; Early infantile epileptic encephalopathy. Identifiers: Orphanet 1934, MedGen C0393706, MONDO:0800491.

gnomAD v4.1: 14 of 1,613,470 alleles (0.00087%); highest among the groups gnomAD compares: African/African-American, 0.004%; no homozygotes.

Submission:

Labcorp Genetics (formerly Invitae), Labcorp
Classification: Uncertain significance for Early-infantile DEE. Last evaluated: 2023-12-11. Review status: criteria provided, single submitter. Criteria: Invitae Variant Classification Sherloc (09022015). Collection method: clinical testing. Allele origin: germline.
Comment: This sequence change replaces arginine, which is basic and polar, with leucine, which is neutral and non-polar, at codon 239 of the CACNA2D2 protein (p.Arg239Leu). This variant is present in population databases (rs201610016, gnomAD 0.008%). This variant has not been reported in the literature in individuals affected with CACNA2D2-related conditions. ClinVar contains an entry for this variant (Variation ID: 645080). An algorithm developed to predict the effect of missense changes on protein structure and function (PolyPhen-2) suggests that this variant is likely to be disruptive. In summary, the available evidence is currently insufficient to determine the role of this variant in disease. Therefore, it has been classified as a Variant of Uncertain Significance.

NM_006030.4(CACNA2D2):c.716G>T (p.Arg239Leu)

Gene: CACNA2D2 (calcium voltage-gated channel auxiliary subunit alpha2delta 2; minus strand). Cytogenetic location: 3p21.31.
Variant type: single nucleotide variant.
Coding change: c.716G>T on transcript NM_006030.4 (MANE Select); coding-DNA position 716, G replaced by T.
Protein change: p.Arg239Leu; replaces arginine 239 with leucine.
Molecular consequence: missense variant.
Genome position (GRCh38, 1-based): chr3:50,381,063, C>A on the plus strand (G>T on the coding strand, the complement: CACNA2D2 is on the minus strand). VCF-style: chr3-50381063-C-A. GRCh37 (hg19) VCF-style: chr3-50418494-C-A.
Other names: c.716G>T, p.Arg239Leu (NM_001005505.3, NM_001174051.3); c.509G>T, p.Arg170Leu (NM_001291101.1); short protein forms R239L, R170L.
Identifiers: ClinVar variation 645080 (VCV000645080.6), dbSNP rs201610016, ClinGen allele CA2419097.